The following is an entry in ClinVar:

NM_033453.4(ITPA):c.67G>A (p.Val23Ile)

Gene: ITPA (inosine triphosphatase; plus strand). Cytogenetic location: 20p13.
Variant type: single nucleotide variant.
Coding change: c.67G>A on transcript NM_033453.4 (MANE Select); coding-DNA position 67, G replaced by A.
Protein change: p.Val23Ile; replaces valine 23 with isoleucine.
Molecular consequence: missense variant. On other transcripts: 5 prime UTR variant (1), non-coding transcript variant (2), intron variant (4).
Genome position (GRCh38, 1-based): chr20:3,213,169, G>A. VCF-style: chr20-3213169-G-A. GRCh37 (hg19) VCF-style: chr20-3193815-G-A.
Other names: c.-271G>A (NM_001324237.2); c.67G>A, p.Val23Ile (NM_001324240.2); c.16G>A, p.Val6Ile (NM_181493.4); c.-274-89G>A (NM_001324238.2, NM_001324236.2, NM_001351739.2); c.67-816G>A (NM_001267623.2); short protein forms V6I, V23I.
Identifiers: ClinVar variation 1504690 (VCV001504690.3), dbSNP rs983098781, ClinGen allele CA310967744.

ClinVar aggregate classification (germline): Uncertain significance (1 of 4 stars; one submission).

Conditions:
Inosine triphosphatase deficiency. Also called: INOSINE TRIPHOSPHATE PYROPHOSPHOHYDROLASE DEFICIENCY. Identifiers: MedGen C0342800, MONDO:0013461, OMIM 613850.

Allele frequency attached by ClinVar (database versions not stated): TOPMed below 0.00001; gnomAD exomes 0.00001.
gnomAD v4.1: 7 of 1,613,870 alleles (0.00043%); highest among the groups gnomAD compares: Non-Finnish European, 0.00059%; no homozygotes.

Submission:

Labcorp Genetics (formerly Invitae), Labcorp
Classification: Uncertain significance for Inosine triphosphatase deficiency. Last evaluated: 2022-03-04. Review status: criteria provided, single submitter. Criteria: Invitae Variant Classification Sherloc (09022015). Collection method: clinical testing. Allele origin: germline.
Comment: This sequence change replaces valine, which is neutral and non-polar, with isoleucine, which is neutral and non-polar, at codon 23 of the ITPA protein (p.Val23Ile). This variant is not present in population databases (gnomAD no frequency). This variant has not been reported in the literature in individuals affected with ITPA-related conditions. Algorithms developed to predict the effect of missense changes on protein structure and function (SIFT, PolyPhen-2, Align-GVGD) all suggest that this variant is likely to be tolerated. Algorithms developed to predict the effect of sequence changes on RNA splicing suggest that this variant may disrupt the consensus splice site. In summary, the available evidence is currently insufficient to determine the role of this variant in disease. Therefore, it has been classified as a Variant of Uncertain Significance.